The following is an entry in ClinVar:

NM_006059.4(LAMC3):c.3268G>A (p.Ala1090Thr)

Gene: LAMC3 (laminin subunit gamma 3; plus strand). Cytogenetic location: 9q34.12.
Variant type: single nucleotide variant.
Coding change: c.3268G>A on transcript NM_006059.4 (MANE Select); coding-DNA position 3268, G replaced by A.
Protein change: p.Ala1090Thr; replaces alanine 1090 with threonine.
Molecular consequence: missense variant.
Genome position (GRCh38, 1-based): chr9:131,072,686, G>A. VCF-style: chr9-131072686-G-A. GRCh37 (hg19) VCF-style: chr9-133948073-G-A.
Other names: short protein forms A1090T.
Identifiers: ClinVar variation 547936 (VCV000547936.10), dbSNP rs374180120, ClinGen allele CA5287739.
Genomic context (GRCh38, chr9:131,072,686, plus strand): 5'-ATAGGGGCTCGGGAAGCCTTCCTGGAGCAGATGATGAGCCTCGAGGGTGCTGTCAAGGCC[G>A]CCCGGGAGCAGCTGCAGAGGCTGAACAAGGGTGCCCGCTGTGCCCAGGCCGGATCCCAGA-3'
Protein context (NP_006050.3, residues 1080-1100): MMSLEGAVKA[Ala1090Thr]REQLQRLNKG

ClinVar aggregate classification (germline): Uncertain significance. Review status: criteria provided, multiple submitters, no conflicts (2 of 4 stars). 3 submissions from 3 submitters: Uncertain significance (3). Last evaluated 2025-09-25.

Conditions:
Occipital pachygyria and polymicrogyria. Identifiers: Orphanet 280640, MedGen C3279875, MONDO:0013583, OMIM 614115.
Inborn genetic diseases. Identifiers: MedGen C0950123, MeSH D030342.

Allele frequency attached by ClinVar (database versions not stated): gnomAD 0.00010; TOPMed 0.00003.
gnomAD v4.1: 54 of 1,611,748 alleles (0.0034%); highest among the groups gnomAD compares: East Asian, 0.022%; no homozygotes.

Submissions (3):

Ambry Genetics
Classification: Uncertain significance for Inborn genetic diseases. Last evaluated: 2025-09-25. Review status: criteria provided, single submitter. Criteria: Ambry Variant Classification Scheme 2023. Collection method: clinical testing. Allele origin: germline.

Labcorp Genetics (formerly Invitae), Labcorp
Classification: Uncertain significance. Last evaluated: 2022-10-17. Review status: criteria provided, single submitter. Criteria: Invitae Variant Classification Sherloc (09022015). Collection method: clinical testing. Allele origin: germline.
Comment: This sequence change replaces alanine, which is neutral and non-polar, with threonine, which is neutral and polar, at codon 1090 of the LAMC3 protein (p.Ala1090Thr). This variant is present in population databases (rs374180120, gnomAD 0.05%). This variant has not been reported in the literature in individuals affected with LAMC3-related conditions. ClinVar contains an entry for this variant (Variation ID: 547936). Algorithms developed to predict the effect of missense changes on protein structure and function output the following: SIFT: "Tolerated"; PolyPhen-2: "Benign"; Align-GVGD: "Class C0". The threonine amino acid residue is found in multiple mammalian species, which suggests that this missense change does not adversely affect protein function. In summary, the available evidence is currently insufficient to determine the role of this variant in disease. Therefore, it has been classified as a Variant of Uncertain Significance.

Mayo Clinic Laboratories, Mayo Clinic
Classification: Uncertain significance for Occipital pachygyria and polymicrogyria. Last evaluated: 2017-02-15. Review status: criteria provided, single submitter. Criteria: ACMG Guidelines, 2015. Collection method: clinical testing. Allele origin: paternal.